The following is an entry in ClinVar:

NM_001364564.1(SALL2):c.2366G>C (p.Gly789Ala)

Gene: SALL2 (spalt like transcription factor 2; minus strand). Cytogenetic location: 14q11.2.
Variant type: single nucleotide variant.
Coding change: c.2366G>C on transcript NM_001364564.1 (MANE Select); coding-DNA position 2366, G replaced by C.
Protein change: p.Gly789Ala; replaces glycine 789 with alanine.
Molecular consequence: missense variant.
Genome position (GRCh38, 1-based): chr14:21,523,356, C>G on the plus strand (G>C on the coding strand, the complement: SALL2 is on the minus strand). VCF-style: chr14-21523356-C-G. GRCh37 (hg19) VCF-style: chr14-21991490-C-G.
Other names: c.1967G>C, p.Gly656Ala (NM_001291446.2); c.1961G>C, p.Gly654Ala (NM_001291447.2); c.2372G>C, p.Gly791Ala (NM_005407.3); short protein forms G654A, G656A, G791A, G789A.
Identifiers: ClinVar variation 4769485 (VCV004769485.1).

ClinVar aggregate classification (germline): Uncertain significance (1 of 4 stars; one submission).

gnomAD v4.1: 1 of 1,613,684 alleles (0.000062%); highest among the groups gnomAD compares: African/African-American, 0.0013%; no homozygotes.

Submission:

Labcorp Genetics (formerly Invitae), Labcorp
Classification: Uncertain significance. Last evaluated: 2025-07-24. Review status: criteria provided, single submitter. Criteria: Invitae Variant Classification Sherloc (09022015). Collection method: clinical testing. Allele origin: germline.
Comment: This sequence change replaces glycine, which is neutral and non-polar, with alanine, which is neutral and non-polar, at codon 791 of the SALL2 protein (p.Gly791Ala). This variant is present in population databases (no rsID available, gnomAD 0.007%). This variant has not been reported in the literature in individuals affected with SALL2-related conditions. An algorithm developed to predict the effect of missense changes on protein structure and function (PolyPhen-2) suggests that this variant is likely to be disruptive. In summary, the available evidence is currently insufficient to determine the role of this variant in disease. Therefore, it has been classified as a Variant of Uncertain Significance.